The following is an entry in ClinVar:

NC_000022.11:g.40346022C>A

Gene: ADSL (adenylosuccinate lyase; plus strand). Cytogenetic location: 22q13.1.
Variant type: single nucleotide variant.
Genome position: GRCh38 VCF-style: chr22-40346022-C-A. GRCh37 (hg19) VCF-style: chr22-40742026-C-A.
Identifiers: ClinVar variation 1349319 (VCV001349319.4), dbSNP rs1465603644, ClinGen allele CA639407969.

ClinVar aggregate classification (germline): Uncertain significance (1 of 4 stars; one submission).

Conditions:
Adenylosuccinate lyase deficiency (ADSLD). Also called: ADSL DEFICIENCY. Identifiers: Orphanet 46, MedGen C0268126, MONDO:0007068, OMIM 103050.

Allele frequency attached by ClinVar (database versions not stated): gnomAD 0.00001; TOPMed 0.00007.

Submission:

Labcorp Genetics (formerly Invitae), Labcorp
Classification: Uncertain significance for Adenylosuccinate lyase deficiency. Last evaluated: 2024-12-02. Review status: criteria provided, single submitter. Criteria: Invitae Variant Classification Sherloc (09022015). Collection method: clinical testing. Allele origin: germline.
Comment: This variant occurs in a non-coding region of the ADSL gene. It does not change the encoded amino acid sequence of the ADSL protein. This variant is present in population databases (no rsID available, gnomAD 0.1%). This variant has not been reported in the literature in individuals affected with ADSL-related conditions. Experimental studies and prediction algorithms are not available or were not evaluated, and the functional significance of this variant is currently unknown. In summary, the available evidence is currently insufficient to determine the role of this variant in disease. Therefore, it has been classified as a Variant of Uncertain Significance.